The following is an entry in ClinVar:

NM_000875.5(IGF1R):c.2579G>A (p.Gly860Glu)

Gene: IGF1R (insulin like growth factor 1 receptor; plus strand). Cytogenetic location: 15q26.3.
Variant type: single nucleotide variant.
Coding change: c.2579G>A on transcript NM_000875.5 (MANE Select); coding-DNA position 2579, G replaced by A.
Protein change: p.Gly860Glu; replaces glycine 860 with glutamic acid.
Molecular consequence: missense variant.
Genome position (GRCh38, 1-based): chr15:98,923,969, G>A. VCF-style: chr15-98923969-G-A. GRCh37 (hg19) VCF-style: chr15-99467198-G-A.
Other names: c.2579G>A, p.Gly860Glu (NM_001291858.2); short protein forms G860E.
Identifiers: ClinVar variation 1697147 (VCV001697147.7), dbSNP rs2151693458, ClinGen allele CA393681761.
Genomic context (GRCh38, chr15:98,923,969, plus strand): 5'-GGGAGCCAAGGCCTGAAAACTCCATCTTTTTAAAGTGGCCGGAACCTGAGAATCCCAATG[G>A]ATTGATTCTAATGTATGAAATAAAATACGGATCACAAGTTGAGGTAGGACTGGGGCAGTG-3'
Protein context (NP_000866.1, residues 850-870): LKWPEPENPN[Gly860Glu]LILMYEIKYG

ClinVar aggregate classification (germline): Uncertain significance. Review status: criteria provided, multiple submitters, no conflicts (2 of 4 stars). 2 submissions from 2 submitters: Uncertain significance (2). Last evaluated 2022-08-09.

Submissions (2):

Labcorp Genetics (formerly Invitae), Labcorp
Classification: Uncertain significance. Last evaluated: 2022-08-09. Review status: criteria provided, single submitter. Criteria: Invitae Variant Classification Sherloc (09022015). Collection method: clinical testing. Allele origin: germline.
Comment: This variant has not been reported in the literature in individuals affected with IGF1R-related conditions. This sequence change replaces glycine, which is neutral and non-polar, with glutamic acid, which is acidic and polar, at codon 860 of the IGF1R protein (p.Gly860Glu). This variant is not present in population databases (gnomAD no frequency). ClinVar contains an entry for this variant (Variation ID: 1697147). Algorithms developed to predict the effect of missense changes on protein structure and function (SIFT, PolyPhen-2, Align-GVGD) all suggest that this variant is likely to be disruptive. In summary, the available evidence is currently insufficient to determine the role of this variant in disease. Therefore, it has been classified as a Variant of Uncertain Significance.

GeneDx
Classification: Uncertain significance. Last evaluated: 2022-01-18. Review status: criteria provided, single submitter. Criteria: GeneDx Variant Classification Process June 2021. Collection method: clinical testing. Allele origin: germline. Affected: yes.
Comment: Not observed at significant frequency in large population cohorts (gnomAD); In silico analysis supports that this missense variant has a deleterious effect on protein structure/function; Has not been previously published as pathogenic or benign to our knowledge